The following is an entry in ClinVar:

ClinVar aggregate classification (germline): Uncertain significance (1 of 4 stars; one submission).

Allele frequency attached by ClinVar (database versions not stated): gnomAD exomes 0.00001; TOPMed 0.00001.

Submission:

Labcorp Genetics (formerly Invitae), Labcorp
Classification: Uncertain significance. Last evaluated: 2025-05-05. Review status: criteria provided, single submitter. Criteria: Invitae Variant Classification Sherloc (09022015). Collection method: clinical testing. Allele origin: germline.
Comment: This sequence change replaces alanine, which is neutral and non-polar, with threonine, which is neutral and polar, at codon 293 of the TSPAN12 protein (p.Ala293Thr). This variant is not present in population databases (gnomAD no frequency). This variant has not been reported in the literature in individuals affected with TSPAN12-related conditions. ClinVar contains an entry for this variant (Variation ID: 1462314). An algorithm developed to predict the effect of missense changes on protein structure and function (PolyPhen-2) suggests that this variant is likely to be tolerated. In summary, the available evidence is currently insufficient to determine the role of this variant in disease. Therefore, it has been classified as a Variant of Uncertain Significance.

NM_012338.4(TSPAN12):c.877G>A (p.Ala293Thr)

Gene: TSPAN12 (tetraspanin 12; minus strand). Cytogenetic location: 7q31.31.
Variant type: single nucleotide variant.
Coding change: c.877G>A on transcript NM_012338.4 (MANE Select); coding-DNA position 877, G replaced by A.
Protein change: p.Ala293Thr; replaces alanine 293 with threonine.
Molecular consequence: missense variant.
Genome position (GRCh38, 1-based): chr7:120,788,633, C>T on the plus strand (G>A on the coding strand, the complement: TSPAN12 is on the minus strand). VCF-style: chr7-120788633-C-T. GRCh37 (hg19) VCF-style: chr7-120428687-C-T.
Other names: short protein forms A293T.
Identifiers: ClinVar variation 1462314 (VCV001462314.8), dbSNP rs1207228302, ClinGen allele CA369133245.